The following is an entry in ClinVar:

ClinVar aggregate classification (germline): Uncertain significance. Review status: criteria provided, multiple submitters, no conflicts (2 of 4 stars). 2 submissions from 2 submitters: Uncertain significance (2). Last evaluated 2026-08-20.

Conditions:
NTRK2-related disorder. Also called: NTRK2-related condition.

Allele frequency attached by ClinVar (database versions not stated): gnomAD exomes 0.00001; ExAC 0.00002; TOPMed 0.00002.
gnomAD v4.1: 12 of 1,611,542 alleles (0.00074%); highest among the groups gnomAD compares: East Asian, 0.0045%; no homozygotes.

Submissions (2):

PreventionGenetics, part of Exact Sciences
Classification: Uncertain significance for NTRK2-related condition. Last evaluated: 2026-08-20. Review status: criteria provided, single submitter. Criteria: ACMG Guidelines, 2015. Collection method: clinical testing. Allele origin: germline.
Comment: The NTRK2 c.157G>A variant is predicted to result in the amino acid substitution p.Val53Met. To our knowledge, this variant has not been reported in the literature. This variant is reported in 0.027% of alleles in individuals of East Asian descent in gnomAD. Although we suspect that this variant may be benign, at this time, the clinical significance of this variant is uncertain due to the absence of conclusive functional and genetic evidence.

Labcorp Genetics (formerly Invitae), Labcorp
Classification: Uncertain significance. Last evaluated: 2025-03-06. Review status: criteria provided, single submitter. Criteria: Invitae Variant Classification Sherloc (09022015). Collection method: clinical testing. Allele origin: germline.
Comment: This sequence change replaces valine, which is neutral and non-polar, with methionine, which is neutral and non-polar, at codon 53 of the NTRK2 protein (p.Val53Met). This variant is present in population databases (rs778391314, gnomAD 0.02%). This variant has not been reported in the literature in individuals affected with NTRK2-related conditions. ClinVar contains an entry for this variant (Variation ID: 2886681). Invitae Evidence Modeling of protein sequence and biophysical properties (such as structural, functional, and spatial information, amino acid conservation, physicochemical variation, residue mobility, and thermodynamic stability) indicates that this missense variant is not expected to disrupt NTRK2 protein function with a negative predictive value of 80%. In summary, the available evidence is currently insufficient to determine the role of this variant in disease. Therefore, it has been classified as a Variant of Uncertain Significance.

NM_006180.6(NTRK2):c.157G>A (p.Val53Met)

Gene: NTRK2 (neurotrophic receptor tyrosine kinase 2; plus strand). Cytogenetic location: 9q21.33.
Variant type: single nucleotide variant.
Coding change: c.157G>A on transcript NM_006180.6 (MANE Select); coding-DNA position 157, G replaced by A.
Protein change: p.Val53Met; replaces valine 53 with methionine.
Molecular consequence: missense variant.
Genome position (GRCh38, 1-based): chr9:84,670,905, G>A. VCF-style: chr9-84670905-G-A. GRCh37 (hg19) VCF-style: chr9-87285820-G-A.
Other names: c.157G>A (NM_006180.4); c.157G>A, p.Val53Met (NM_001369546.1, NM_001369547.1, NM_001369548.1 and 19 more transcripts); short protein forms V53M.
Identifiers: ClinVar variation 2886681 (VCV002886681.4), dbSNP rs778391314, ClinGen allele CA5105414.